The following is an entry in ClinVar:

ClinVar aggregate classification (germline): Uncertain significance. Review status: criteria provided, multiple submitters, no conflicts (2 of 4 stars). 2 submissions from 2 submitters: Uncertain significance (2). Last evaluated 2025-01-06.

Conditions:
Familial thoracic aortic aneurysm and aortic dissection (TAAD). Also called: Thoracic aortic aneurysms and dissections. Identifiers: Orphanet 91387, MedGen C4707243, MONDO:0019625.

Allele frequency attached by ClinVar (database versions not stated): gnomAD exomes below 0.00001.
gnomAD v4.1: 1 of 1,612,864 alleles (0.000062%); highest among the groups gnomAD compares: Non-Finnish European, 0.000085%; no homozygotes.

Submissions (2):

GeneDx
Classification: Uncertain significance. Last evaluated: 2025-01-06. Review status: criteria provided, single submitter. Criteria: GeneDx Variant Classification Process June 2021. Collection method: clinical testing. Allele origin: germline. Affected: yes.
Comment: Not observed at significant frequency in large population cohorts (gnomAD); In silico analysis indicates that this missense variant does not alter protein structure/function; Has not been previously published as pathogenic or benign to our knowledge

Ambry Genetics
Classification: Uncertain significance for Familial thoracic aortic aneurysm and aortic dissection. Last evaluated: 2023-07-10. Review status: criteria provided, single submitter. Criteria: Ambry Variant Classification Scheme 2023. Collection method: clinical testing. Allele origin: germline.
Comment: The p.L301V variant (also known as c.901C>G), located in coding exon 6 of the NOTCH1 gene, results from a C to G substitution at nucleotide position 901. The leucine at codon 301 is replaced by valine, an amino acid with highly similar properties. This amino acid position is conserved. In addition, the in silico prediction for this alteration is inconclusive. Since supporting evidence is limited at this time, the clinical significance of this alteration remains unclear.

NM_017617.5(NOTCH1):c.901C>G (p.Leu301Val)

Gene: NOTCH1 (notch receptor 1; minus strand). Cytogenetic location: 9q34.3.
Variant type: single nucleotide variant.
Coding change: c.901C>G on transcript NM_017617.5 (MANE Select); coding-DNA position 901, C replaced by G.
Protein change: p.Leu301Val; replaces leucine 301 with valine.
Molecular consequence: missense variant.
Genome position (GRCh38, 1-based): chr9:136,518,789, G>C on the plus strand (C>G on the coding strand, the complement: NOTCH1 is on the minus strand). VCF-style: chr9-136518789-G-C. GRCh37 (hg19) VCF-style: chr9-139413241-G-C.
Other names: short protein forms L301V.
Identifiers: ClinVar variation 2586747 (VCV002586747.3), dbSNP rs1564200379, ClinGen allele CA375565851.